The following is an entry in ClinVar:

NM_206933.4(USH2A):c.836C>A (p.Ala279Glu)

Gene: USH2A (usherin; minus strand). Cytogenetic location: 1q41.
Variant type: single nucleotide variant.
Coding change: c.836C>A on transcript NM_206933.4 (MANE Select); coding-DNA position 836, C replaced by A.
Protein change: p.Ala279Glu; replaces alanine 279 with glutamic acid.
Molecular consequence: missense variant.
Genome position (GRCh38, 1-based): chr1:216,327,603, G>T on the plus strand (C>A on the coding strand, the complement: USH2A is on the minus strand). VCF-style: chr1-216327603-G-T. GRCh37 (hg19) VCF-style: chr1-216500945-G-T.
Other names: c.836C>A, p.Ala279Glu (NM_007123.6); short protein forms A279E.
Identifiers: ClinVar variation 1065664 (VCV001065664.9), dbSNP rs2102658782, ClinGen allele CA344912822.
Genomic context (GRCh38, chr1:216,327,603, plus strand): 5'-GCATTTATCCTTTCGGTTCTTGAGGTTTACAATGCAACATCTGCTTACCTGTTTGTAAGT[G>T]CCACTTGGTATAATCGAAAATCTTGCATTCTTCCGACAAACTGCTCTAAACCTGCAAATA-3'
Protein context (NP_996816.3, residues 269-289): RMQDFRLYQV[Ala279Glu]LTNREILEVF

ClinVar aggregate classification (germline): Uncertain significance. Review status: criteria provided, multiple submitters, no conflicts (2 of 4 stars). 4 submissions from 3 submitters: Uncertain significance (4). Last evaluated 2023-11-04.

Conditions:
Retinitis pigmentosa 39 (RP39). Identifiers: Orphanet 791, MedGen C3151138, MONDO:0013436, OMIM 613809.
Usher syndrome type 2A. Also called: RETINAL DISEASE IN USHER SYNDROME TYPE IIA, MODIFIER OF; USHER SYNDROME, TYPE IIA. Identifiers: Orphanet 231178, Orphanet 886, MedGen C1848634, MONDO:0010169, OMIM 276901.

Submissions (4):

Genome-Nilou Lab
Classification: Uncertain significance for Retinitis pigmentosa 39. Last evaluated: 2023-11-04. Review status: criteria provided, single submitter. Criteria: ACMG Guidelines, 2015. Collection method: clinical testing. Allele origin: germline. Affected: no.

Genome-Nilou Lab
Classification: Uncertain significance for Usher syndrome type 2A. Last evaluated: 2023-11-04. Review status: criteria provided, single submitter. Criteria: ACMG Guidelines, 2015. Collection method: clinical testing. Allele origin: germline. Affected: no.

Labcorp Genetics (formerly Invitae), Labcorp
Classification: Uncertain significance. Last evaluated: 2022-06-20. Review status: criteria provided, single submitter. Criteria: Invitae Variant Classification Sherloc (09022015). Collection method: clinical testing. Allele origin: germline.
Comment: This variant has not been reported in the literature in individuals affected with USH2A-related conditions. This sequence change replaces alanine, which is neutral and non-polar, with glutamic acid, which is acidic and polar, at codon 279 of the USH2A protein (p.Ala279Glu). This variant is not present in population databases (gnomAD no frequency). ClinVar contains an entry for this variant (Variation ID: 1065664). Algorithms developed to predict the effect of missense changes on protein structure and function are either unavailable or do not agree on the potential impact of this missense change (SIFT: "Deleterious"; PolyPhen-2: "Possibly Damaging"; Align-GVGD: "Class C0"). In summary, the available evidence is currently insufficient to determine the role of this variant in disease. Therefore, it has been classified as a Variant of Uncertain Significance.

Ocular Genomics Institute, Massachusetts Eye and Ear
Classification: Uncertain significance for Retinitis pigmentosa 39. Last evaluated: 2021-04-08. Review status: criteria provided, single submitter. Criteria: ACMG Guidelines, 2015. Collection method: research. Allele origin: germline. Affected: yes.
Comment: Through a review of available evidence we were able to apply the following criteria: PM2. Based on this evidence we have classified this variant as Variant of Uncertain Significance.